The following is an entry in ClinVar:

ClinVar aggregate classification (germline): Uncertain significance (1 of 4 stars; one submission).

Conditions:
Infantile-onset X-linked spinal muscular atrophy. Also called: SPINAL MUSCULAR ATROPHY, X-LINKED LETHAL INFANTILE; AMC, DISTAL, X-LINKED; ARTHROGRYPOSIS, X-LINKED, TYPE I; Spinal muscular atrophy, X-linked 2; Spinal Muscular Atrophy, X-Linked Infantile. Identifiers: Orphanet 1145, MedGen C1844934, MONDO:0010532, OMIM 301830.

Allele frequency attached by ClinVar (database versions not stated): gnomAD exomes 0.00001 and 0.00002; ExAC 0.00002; TOPMed 0.00007; gnomAD 0.00010 and 0.00011; ESP Exome Variant Server 0.00019.
gnomAD v4.1: 29 of 1,199,940 alleles (0.0024%); highest among the groups gnomAD compares: African/African-American, 0.0087%; no homozygotes.

Submission:

Labcorp Genetics (formerly Invitae), Labcorp
Classification: Uncertain significance for Infantile-onset X-linked spinal muscular atrophy. Last evaluated: 2024-05-20. Review status: criteria provided, single submitter. Criteria: Invitae Variant Classification Sherloc (09022015). Collection method: clinical testing. Allele origin: germline.
Comment: This sequence change replaces arginine, which is basic and polar, with tryptophan, which is neutral and slightly polar, at codon 345 of the UBA1 protein (p.Arg345Trp). This variant is present in population databases (rs139130383, gnomAD 0.006%), including at least one homozygous and/or hemizygous individual. This variant has not been reported in the literature in individuals affected with UBA1-related conditions. ClinVar contains an entry for this variant (Variation ID: 643893). An algorithm developed to predict the effect of missense changes on protein structure and function (PolyPhen-2) suggests that this variant is likely to be disruptive. In summary, the available evidence is currently insufficient to determine the role of this variant in disease. Therefore, it has been classified as a Variant of Uncertain Significance.

NM_003334.4(UBA1):c.1033C>T (p.Arg345Trp)

Gene: UBA1 (ubiquitin like modifier activating enzyme 1; plus strand). Cytogenetic location: Xp11.3.
Variant type: single nucleotide variant.
Coding change: c.1033C>T on transcript NM_003334.4 (MANE Select); coding-DNA position 1033, C replaced by T.
Protein change: p.Arg345Trp; replaces arginine 345 with tryptophan.
Molecular consequence: missense variant.
Genome position (GRCh38, 1-based): chrX:47,202,481, C>T. VCF-style: chrX-47202481-C-T. GRCh37 (hg19) VCF-style: chrX-47061880-C-T.
Other names: c.1033C>T, p.Arg345Trp (NM_153280.3); short protein forms R345W.
Identifiers: ClinVar variation 643893 (VCV000643893.10), dbSNP rs139130383, ClinGen allele CA10395816.